The following is an entry in ClinVar:

ClinVar aggregate classification (germline): Likely benign (1 of 4 stars; one submission).

Conditions:
PHF6-related disorder. Also called: PHF6-related condition.

gnomAD v4.1: 1 of 1,210,029 alleles (0.000083%); highest among the groups gnomAD compares: African/African-American, 0.0017%; no homozygotes.

Submission:

PreventionGenetics, part of Exact Sciences
Classification: Likely benign for PHF6-related condition. Last evaluated: 2025-07-31. Review status: criteria provided, single submitter. Criteria: ACMG Guidelines, 2015. Collection method: clinical testing. Allele origin: germline.
Comment: This variant is classified as likely benign based on ACMG/AMP sequence variant interpretation guidelines (Richards et al. 2015 PMID: 25741868, with internal and published modifications).

NM_001015877.2(PHF6):c.984T>C (p.Asn328=)

Gene: PHF6 (PHD finger protein 6; plus strand). Cytogenetic location: Xq26.2.
Variant type: single nucleotide variant.
Coding change: c.984T>C on transcript NM_001015877.2 (MANE Select); coding-DNA position 984, T replaced by C.
Protein change: p.Asn328=; no amino-acid change (asparagine 328 retained).
Molecular consequence: synonymous variant.
Genome position (GRCh38, 1-based): chrX:134,425,216, T>C. VCF-style: chrX-134425216-T-C. GRCh37 (hg19) VCF-style: chrX-133559246-T-C.
Other names: c.984T>C, p.Asn328= (NM_032458.3).
Identifiers: ClinVar variation 4980086 (VCV004980086.1).
Genomic context (GRCh38, chrX:134,425,216, plus strand): 5'-AGCAGTGACAAAGCATTTTGAGATTTTTGTCTTTCATCATTGTAGACTATACTGTAAAAA[T>C]CATAGTGGAAATGATGAGAGAGATGAAGAAGATGAGGAACGAGAGAGTAAAAGCCGAGGA-3'
Protein context (NP_001015877.1, residues 318-338): SRGIYKLYCK[Asn328=]HSGNDERDEE